The following is an entry in ClinVar:

ClinVar aggregate classification (germline): Uncertain significance (1 of 4 stars; one submission).

gnomAD v4.1: 1 of 1,614,138 alleles (0.000062%); highest among the groups gnomAD compares: African/African-American, 0.0013%; no homozygotes.

Submission:

GeneDx
Classification: Uncertain significance. Last evaluated: 2023-10-17. Review status: criteria provided, single submitter. Criteria: GeneDx Variant Classification Process June 2021. Collection method: clinical testing. Allele origin: germline. Affected: yes.
Comment: Not observed at significant frequency in large population cohorts (gnomAD); In silico analysis supports that this missense variant has a deleterious effect on protein structure/function; Has not been previously published as pathogenic or benign to our knowledge

NM_001312909.2(FAM111A):c.187C>T (p.Pro63Ser)

Gene: FAM111A (FAM111 trypsin like peptidase A; plus strand). Cytogenetic location: 11q12.1.
Variant type: single nucleotide variant.
Coding change: c.187C>T on transcript NM_001312909.2 (MANE Select); coding-DNA position 187, C replaced by T.
Protein change: p.Pro63Ser; replaces proline 63 with serine.
Molecular consequence: missense variant.
Genome position (GRCh38, 1-based): chr11:59,151,855, C>T. VCF-style: chr11-59151855-C-T. GRCh37 (hg19) VCF-style: chr11-58919328-C-T.
Other names: c.187C>T, p.Pro63Ser (NM_001142519.3, NM_001142520.3, NM_001142521.3 and 29 more transcripts); short protein forms P63S.
Identifiers: ClinVar variation 3366129 (VCV003366129.1).
Genomic context (GRCh38, chr11:59,151,855, plus strand): 5'-ATGGAGTCTAGAGGAGACCCAAGAGCCACAACTAATACCCAGGCTCAAAGATTCCATTCA[C>T]CTAAGAAAAATCCAGAAGACCAGACCATGCCCCAAAATAGGACAATATATGTTACCTTGA-3'
Protein context (NP_001299838.1, residues 53-73): TNTQAQRFHS[Pro63Ser]KKNPEDQTMP